The following is an entry in ClinVar:

ClinVar aggregate classification (germline): Uncertain significance (1 of 4 stars; one submission).

Allele frequency attached by ClinVar (database versions not stated): gnomAD 0.00001; ExAC 0.00002; gnomAD exomes 0.00002 and 0.00003; TOPMed 0.00002.

Submission:

Labcorp Genetics (formerly Invitae), Labcorp
Classification: Uncertain significance. Last evaluated: 2022-01-07. Review status: criteria provided, single submitter. Criteria: Invitae Variant Classification Sherloc (09022015). Collection method: clinical testing. Allele origin: germline.
Comment: This sequence change replaces glycine, which is neutral and non-polar, with arginine, which is basic and polar, at codon 33 of the NUP160 protein (p.Gly33Arg). This variant is present in population databases (rs756129580, gnomAD 0.004%). This variant has not been reported in the literature in individuals affected with NUP160-related conditions. Algorithms developed to predict the effect of missense changes on protein structure and function are either unavailable or do not agree on the potential impact of this missense change (SIFT: "Not Available"; PolyPhen-2: "Benign"; Align-GVGD: "Not Available"). In summary, the available evidence is currently insufficient to determine the role of this variant in disease. Therefore, it has been classified as a Variant of Uncertain Significance.

NM_015231.3(NUP160):c.-6G>A

Genes: NUP160 (nucleoporin 160; minus strand), LOC130005685 (ATAC-STARR-seq lymphoblastoid active region 4704; plus strand). Cytogenetic location: 11p11.2.
Variant type: single nucleotide variant.
Coding change: c.-6G>A on transcript NM_015231.3 (MANE Select); 6 bases upstream of the start codon, G replaced by A.
Molecular consequence: 5 prime UTR variant. On other transcripts: missense variant (1), non-coding transcript variant (1).
Genome position (GRCh38, 1-based): chr11:47,848,324, C>T on the plus strand (G>A on the coding strand, the complement: NUP160 is on the minus strand). VCF-style: chr11-47848324-C-T. GRCh37 (hg19) VCF-style: chr11-47869876-C-T.
Other names: c.97G>A, p.Gly33Arg (NM_001318399.1); short protein forms G33R.
Identifiers: ClinVar variation 1442242 (VCV001442242.8), dbSNP rs756129580, ClinGen allele CA5981766.